The following is an entry in ClinVar:

NM_020779.4(WDR35):c.1371del (p.Thr458fs)

Gene: WDR35 (WD repeat domain 35; minus strand). Cytogenetic location: 2p24.1.
Variant type: Deletion.
Coding change: c.1371del on transcript NM_020779.4 (MANE Select); coding-DNA position 1371, one base deleted (C; older notation c.1371delC).
Protein change: p.Thr458fs; shifts the reading frame from threonine 458.
Molecular consequence: frameshift variant.
Genome position (GRCh38, 1-based): chr2:19,953,863, G deleted on the plus strand (C on the coding strand, the reverse complement: WDR35 is on the minus strand). VCF-style (leftmost placement, unchanged base first): chr2-19953862-TG-T. GRCh37 (hg19) VCF-style: chr2-20153623-TG-T.
Other names: c.1404del, p.Thr469fs (NM_001006657.2); short protein forms T458fs, T469fs.
Identifiers: ClinVar variation 3358272 (VCV003358272.1).

ClinVar aggregate classification (germline): Likely pathogenic (0 of 4 stars; one submission).

Conditions:
WDR35-related disorder. Also called: WDR35-related disorders; WDR35-related condition. Identifiers: MedGen CN239419.

Submission:

PreventionGenetics, part of Exact Sciences
Classification: Likely pathogenic for WDR35-related condition. Last evaluated: 2024-06-12. Review status: no assertion criteria provided. Collection method: clinical testing. Allele origin: germline.
Comment: The WDR35 c.1404delC variant is predicted to result in a frameshift and premature protein termination (p.Thr469Hisfs*42). To our knowledge, this variant has not been reported in the literature. This variant is reported in 0.018% of alleles in individuals of African descent in gnomAD. Frameshift variants in WDR35 are expected to be pathogenic. This variant is interpreted as likely pathogenic.